The following is an entry in ClinVar:

NM_001005361.3(DNM2):c.2011A>G (p.Ile671Val)

Gene: DNM2 (dynamin 2; plus strand). Cytogenetic location: 19p13.2.
Variant type: single nucleotide variant.
Coding change: c.2011A>G on transcript NM_001005361.3 (MANE Select); coding-DNA position 2011, A replaced by G.
Protein change: p.Ile671Val; replaces isoleucine 671 with valine.
Molecular consequence: missense variant.
Genome position (GRCh38, 1-based): chr19:10,825,174, A>G. VCF-style: chr19-10825174-A-G. GRCh37 (hg19) VCF-style: chr19-10935850-A-G.
Other names: c.2011A>G, p.Ile671Val (NM_001005360.3, NM_001190716.2); c.1999A>G, p.Ile667Val (NM_001005362.3, NM_004945.4); short protein forms I671V, I667V.
Identifiers: ClinVar variation 578274 (VCV000578274.8), dbSNP rs1568321953, ClinGen allele CA404041633.

ClinVar aggregate classification (germline): Uncertain significance (1 of 4 stars; one submission).

Conditions:
Charcot-Marie-Tooth disease dominant intermediate B (CMTDIB). Also called: CHARCOT-MARIE-TOOTH NEUROPATHY, DOMINANT INTERMEDIATE B; Charcot-Marie-Tooth disease dominant intermediate 1; CMT DI1; Charcot-Marie-Tooth disease dominant intermediate I. Identifiers: Orphanet 100044, Orphanet 228179, MedGen C1847902, MONDO:0011674, OMIM 606482.

Allele frequency attached by ClinVar (database versions not stated): gnomAD exomes below 0.00001.
gnomAD v4.1: 1 of 1,614,212 alleles (0.000062%); highest among the groups gnomAD compares: African/African-American, 0.0013%; no homozygotes.

Submission:

Labcorp Genetics (formerly Invitae), Labcorp
Classification: Uncertain significance for Charcot-Marie-Tooth disease dominant intermediate B. Last evaluated: 2018-05-23. Review status: criteria provided, single submitter. Criteria: Invitae Variant Classification Sherloc (09022015). Collection method: clinical testing. Allele origin: germline.
Comment: In summary, the available evidence is currently insufficient to determine the role of this variant in disease. Therefore, it has been classified as a Variant of Uncertain Significance. Algorithms developed to predict the effect of missense changes on protein structure and function (SIFT, PolyPhen-2, Align-GVGD) all suggest that this variant is likely to be tolerated, but these predictions have not been confirmed by published functional studies and their clinical significance is uncertain. This variant has not been reported in the literature in individuals with DNM2-related disease. This variant is not present in population databases (ExAC no frequency). This sequence change replaces isoleucine with valine at codon 671 of the DNM2 protein (p.Ile671Val). The isoleucine residue is highly conserved and there is a small physicochemical difference between isoleucine and valine.